The following is an entry in ClinVar:

NC_000018.9:g.(?_3114702)_(3119951_?)del

Gene: MYOM1 (myomesin 1; minus strand). Cytogenetic location: 18p11.31.
Variant type: Deletion.
Identifiers: ClinVar variation 1421641 (VCV001421641.4).

ClinVar aggregate classification (germline): Uncertain significance (1 of 4 stars; one submission).

Conditions:
Hypertrophic cardiomyopathy. Also called: HYPERTROPHIC MYOCARDIOPATHY. Identifiers: Orphanet 217569, MedGen C0007194, MeSH D002312, MONDO:0005045, HP:0001639.

Submission:

Labcorp Genetics (formerly Invitae), Labcorp
Classification: Uncertain significance for Hypertrophic cardiomyopathy. Last evaluated: 2021-02-17. Review status: criteria provided, single submitter. Criteria: Invitae Variant Classification Sherloc (09022015). Collection method: clinical testing. Allele origin: germline.
Comment: In summary, the available evidence is currently insufficient to determine the role of this variant in disease. Therefore, it has been classified as a Variant of Uncertain Significance. This variant has not been reported in the literature in individuals with MYOM1-related conditions. This variant results in the deletion of exon 21 and part of exon 20 (c.3035_3303+1627delins158) of the MYOM1 gene. It is expected to disrupt RNA splicing. Variants that disrupt the donor or acceptor splice site typically lead to a loss of protein function (PMID: 16199547), however the current clinical and genetic evidence is not sufficient to establish whether loss-of-function variants in MYOM1 cause disease.

Literature cited by the submitters: PubMed 16199547.